The following is an entry in ClinVar:

ClinVar aggregate classification (germline): Pathogenic (1 of 4 stars; one submission).

Conditions:
Duchenne muscular dystrophy (DMD). Also called: MUSCULAR DYSTROPHY, PSEUDOHYPERTROPHIC PROGRESSIVE, DUCHENNE TYPE; Duchenne Muscular Dystrophy (DMD). Identifiers: Orphanet 98896, MedGen C0013264, MONDO:0010679, OMIM 310200.

Submission:

Labcorp Genetics (formerly Invitae), Labcorp
Classification: Pathogenic for Duchenne muscular dystrophy. Last evaluated: 2022-06-04. Review status: criteria provided, single submitter. Criteria: Invitae Variant Classification Sherloc (09022015). Collection method: clinical testing. Allele origin: germline.
Comment: For these reasons, this variant has been classified as Pathogenic. A similar copy number variant has been observed in individuals with Becker or Duchenne muscular dystrophy (PMID: 14977063, 24292997). This variant is a gross deletion of the genomic region encompassing exon(s) 3-5 of the DMD gene. This variant would be expected to be in-frame, preserving the integrity of the reading frame.

Literature cited by the submitters: PubMed 14977063; PubMed 24292997.

NC_000023.11:g.(?_32823285)_(32849830_?)del

Gene: DMD (dystrophin; minus strand). Cytogenetic location: Xp21.1.
Variant type: Deletion.
Identifiers: ClinVar variation 662857 (VCV000662857.9).